The following is an entry in ClinVar:

ClinVar aggregate classification (germline): Uncertain significance (1 of 4 stars; one submission).

Conditions:
CHARGE syndrome (CHARGE). Also called: CHARGE ASSOCIATION--COLOBOMA, HEART ANOMALY, CHOANAL ATRESIA, RETARDATION, GENITAL AND EAR ANOMALIES; Coloboma, heart anomaly, choanal atresia, retardation, genital and ear anomalies; CHARGE association; Hall-Hittner syndrome; Hittner Hirsch Kreh syndrome. Identifiers: Orphanet 138, MedGen C0265354, MONDO:0008965.

Submission:

Labcorp Genetics (formerly Invitae), Labcorp
Classification: Uncertain significance for CHARGE syndrome. Last evaluated: 2020-02-02. Review status: criteria provided, single submitter. Criteria: Invitae Variant Classification Sherloc (09022015). Collection method: clinical testing. Allele origin: germline.
Comment: In summary, the available evidence is currently insufficient to determine the role of this variant in disease. Therefore, it has been classified as a Variant of Uncertain Significance. Algorithms developed to predict the effect of missense changes on protein structure and function (SIFT, PolyPhen-2, Align-GVGD) all suggest that this variant is likely to be disruptive, but these predictions have not been confirmed by published functional studies and their clinical significance is uncertain. This variant has not been reported in the literature in individuals with CHD7-related conditions. This variant is not present in population databases (ExAC no frequency). This sequence change replaces lysine with glutamic acid at codon 1201 of the CHD7 protein (p.Lys1201Glu). The lysine residue is highly conserved and there is a small physicochemical difference between lysine and glutamic acid.

NM_017780.4(CHD7):c.3601A>G (p.Lys1201Glu)

Gene: CHD7 (chromodomain helicase DNA binding protein 7; plus strand). Cytogenetic location: 8q12.2.
Variant type: single nucleotide variant.
Coding change: c.3601A>G on transcript NM_017780.4 (MANE Select); coding-DNA position 3601, A replaced by G.
Protein change: p.Lys1201Glu; replaces lysine 1201 with glutamic acid.
Molecular consequence: missense variant. On other transcripts: intron variant (1).
Genome position (GRCh38, 1-based): chr8:60,830,400, A>G. VCF-style: chr8-60830400-A-G. GRCh37 (hg19) VCF-style: chr8-61742959-A-G.
Other names: c.1717-31829A>G (NM_001316690.1); short protein forms K1201E.
Identifiers: ClinVar variation 850873 (VCV000850873.11), dbSNP rs1804453835, ClinGen allele CA371315190.